The following is an entry in ClinVar:

ClinVar aggregate classification (germline): Likely pathogenic (1 of 4 stars; one submission).

Conditions:
Hereditary cancer-predisposing syndrome. Also called: Hereditary Cancer Syndrome; Hereditary neoplastic syndrome; Neoplastic Syndromes, Hereditary; Tumor predisposition. Identifiers: Orphanet 140162, MedGen C0027672, MeSH D009386, MONDO:0015356.

Submission:

Ambry Genetics
Classification: Likely pathogenic for Hereditary cancer-predisposing syndrome. Last evaluated: 2025-09-05. Review status: criteria provided, single submitter. Criteria: Ambry Variant Classification Scheme 2023. Collection method: clinical testing. Allele origin: germline.
Comment: The c.1885_1886delGT variant, located in coding exon 12 of the BRIP1 gene, results from a deletion of two nucleotides at nucleotide positions 1885 to 1886, causing a translational frameshift with a predicted alternate stop codon (p.V629Yfs*9). This alteration is expected to result in loss of function by premature protein truncation or nonsense-mediated mRNA decay. This variant is considered to be rare based on population cohorts in the Genome Aggregation Database (gnomAD). Based on the majority of available evidence to date, this variant is likely to be pathogenic.

NM_032043.3(BRIP1):c.1885_1886del (p.Val629fs)

Gene: BRIP1 (BRCA1 interacting DNA helicase 1; minus strand). Cytogenetic location: 17q23.2.
Variant type: Microsatellite.
Coding change: c.1885_1886del on transcript NM_032043.3 (MANE Select); coding-DNA positions 1885 to 1886, 2 bases deleted (GT; older notation c.1885_1886delGT).
Protein change: p.Val629fs; shifts the reading frame from valine 629.
Molecular consequence: frameshift variant.
Genome position (GRCh38, 1-based): chr17:61,780,310-61,780,311, AC deleted on the plus strand (GT on the coding strand, the reverse complement: BRIP1 is on the minus strand); deleting any 2 consecutive bases within chr17:61,780,310-61,780,313 gives the same sequence; the c. name uses the placement nearest the transcript's 3' end. VCF-style (leftmost placement, unchanged base first): chr17-61780309-AAC-A. GRCh37 (hg19) VCF-style: chr17-59857670-AAC-A.
Other names: c.1883_1884GT[1], p.Val629Tyrfs (NM_032043.2); c.1885_1886delGT (NM_032043.2); short protein forms V629fs.
Identifiers: ClinVar variation 4216280 (VCV004216280.1).
Genomic context (GRCh38, chr17:61,780,309, plus strand): 5'-ACAACAACTAACCTGTGAATTTTTAATGATATGATTAGCCTCCAGCTGGATAGTAAATGT[AAC>A]ACCAAGTTCTGACGAAAAGGATTTCATTGGTGATAATGTACCAGATGTCAAAACAATGGT-3'